The following is an entry in ClinVar:

NM_000632.4(ITGAM):c.1034C>A (p.Ser345Tyr)

Gene: ITGAM (integrin subunit alpha M; plus strand). Cytogenetic location: 16p11.2.
Variant type: single nucleotide variant.
Coding change: c.1034C>A on transcript NM_000632.4 (MANE Select); coding-DNA position 1034, C replaced by A.
Protein change: p.Ser345Tyr; replaces serine 345 with tyrosine.
Molecular consequence: missense variant.
Genome position (GRCh38, 1-based): chr16:31,276,695, C>A. VCF-style: chr16-31276695-C-A. GRCh37 (hg19) VCF-style: chr16-31288016-C-A.
Other names: c.1034C>A, p.Ser345Tyr (NM_001145808.2); short protein forms S345Y.
Identifiers: ClinVar variation 2900270 (VCV002900270.3), dbSNP rs745610582, ClinGen allele CA8025418.
Genomic context (GRCh38, chr16:31,276,695, plus strand): 5'-TGCTTTCTTTAATATAGAAACTTCTCCTCTTTACAGGTACTCAGACAGGAAGTAGCAGCT[C>A]CTTTGAGCATGAGATGTCTCAGGAAGGCTTCAGCGCTGCCATCACCTCTGTAAGTGGCCC-3'
Protein context (NP_000623.2, residues 335-355): IEGTQTGSSS[Ser345Tyr]FEHEMSQEGF

ClinVar aggregate classification (germline): Uncertain significance (1 of 4 stars; one submission).

Allele frequency attached by ClinVar (database versions not stated): TOPMed below 0.00001; gnomAD 0.00001; ExAC 0.00002; gnomAD exomes 0.00002.
gnomAD v4.1: 26 of 1,612,012 alleles (0.0016%); highest among the groups gnomAD compares: Non-Finnish European, 0.002%; no homozygotes.

Submission:

Labcorp Genetics (formerly Invitae), Labcorp
Classification: Uncertain significance. Last evaluated: 2024-10-24. Review status: criteria provided, single submitter. Criteria: Invitae Variant Classification Sherloc (09022015). Collection method: clinical testing. Allele origin: germline.
Comment: This sequence change replaces serine, which is neutral and polar, with tyrosine, which is neutral and polar, at codon 345 of the ITGAM protein (p.Ser345Tyr). The frequency data for this variant in the population databases is considered unreliable, as metrics indicate poor data quality at this position in the gnomAD database. This variant has not been reported in the literature in individuals affected with ITGAM-related conditions. An algorithm developed to predict the effect of missense changes on protein structure and function (PolyPhen-2) suggests that this variant is likely to be disruptive. In summary, the available evidence is currently insufficient to determine the role of this variant in disease. Therefore, it has been classified as a Variant of Uncertain Significance.